The following is an entry in ClinVar:

ClinVar aggregate classification (germline): Benign/Likely benign. Review status: criteria provided, multiple submitters, no conflicts (2 of 4 stars). 3 submissions from 3 submitters: Benign (1); Likely benign (2). Last evaluated 2024-07-25.

Conditions:
Hereditary cancer-predisposing syndrome. Also called: Hereditary neoplastic syndrome; Hereditary Cancer Syndrome; Tumor predisposition; Neoplastic Syndromes, Hereditary. Identifiers: Orphanet 140162, MedGen C0027672, MeSH D009386, MONDO:0015356.
Familial cancer of breast. Also called: BREAST CANCER, FAMILIAL; hereditary breast carcinoma; Hereditary breast cancer. Identifiers: Orphanet 227535, MedGen C0346153, MONDO:0016419, OMIM 114480. Disease mechanism: loss of function.

gnomAD v4.1: 2 of 1,613,816 alleles (0.00012%); highest among the groups gnomAD compares: Non-Finnish European, 0.00017%; no homozygotes.

Submissions (3):

Myriad Genetics, Inc.
Classification: Benign for Familial cancer of breast. Last evaluated: 2024-07-25. Review status: criteria provided, single submitter. Criteria: Myriad Autosomal Dominant, Autosomal Recessive and X-Linked Classification Criteria (2023). Collection method: clinical testing. Allele origin: unknown.
Comment: This variant is considered benign. This variant is a silent/synonymous amino acid change and it is not expected to impact splicing.

Ambry Genetics
Classification: Likely benign for Hereditary cancer-predisposing syndrome. Last evaluated: 2023-07-26. Review status: criteria provided, single submitter. Criteria: Ambry Variant Classification Scheme 2023. Collection method: clinical testing. Allele origin: germline.

Labcorp Genetics (formerly Invitae), Labcorp
Classification: Likely benign for Familial cancer of breast. Last evaluated: 2022-10-15. Review status: criteria provided, single submitter. Criteria: Invitae Variant Classification Sherloc (09022015). Collection method: clinical testing. Allele origin: germline.

NM_000465.4(BARD1):c.1353A>G (p.Gly451=)

Gene: BARD1 (BRCA1 associated RING domain 1; minus strand). Cytogenetic location: 2q35.
Variant type: single nucleotide variant.
Coding change: c.1353A>G on transcript NM_000465.4 (MANE Select); coding-DNA position 1353, A replaced by G.
Protein change: p.Gly451=; no amino-acid change (glycine 451 retained).
Molecular consequence: synonymous variant. On other transcripts: non-coding transcript variant (3), intron variant (3).
Genome position (GRCh38, 1-based): chr2:214,769,274, T>C on the plus strand (A>G on the coding strand, the complement: BARD1 is on the minus strand). VCF-style: chr2-214769274-T-C. GRCh37 (hg19) VCF-style: chr2-215633998-T-C.
Other names: c.1353A>G (NM_000465.2); c.1296A>G, p.Gly432= (NM_001282543.2); c.159-16719A>G (NM_001282548.2); c.216-16719A>G (NM_001282545.2); c.364+23023A>G (NM_001282549.2).
Identifiers: ClinVar variation 1128890 (VCV001128890.12), dbSNP rs369564500, ClinGen allele CA431130595.